The following is an entry in ClinVar:

NM_003072.5(SMARCA4):c.2348T>C (p.Leu783Pro)

Gene: SMARCA4 (SWI/SNF related BAF chromatin remodeling complex subunit ATPase 4; plus strand). Cytogenetic location: 19p13.2.
Variant type: single nucleotide variant.
Coding change: c.2348T>C on transcript NM_003072.5 (MANE Select); coding-DNA position 2348, T replaced by C.
Protein change: p.Leu783Pro; replaces leucine 783 with proline.
Molecular consequence: missense variant. On other transcripts: non-coding transcript variant (1).
Genome position (GRCh38, 1-based): chr19:11,013,022, T>C. VCF-style: chr19-11013022-T-C. GRCh37 (hg19) VCF-style: chr19-11123698-T-C.
Other names: c.2348T>C, p.Leu783Pro (NM_001128844.3, NM_001128845.2, NM_001128846.2 and 5 more transcripts); short protein forms L783P.
Identifiers: ClinVar variation 225096 (VCV000225096.3), dbSNP rs869312964, ClinGen allele CA358220.

ClinVar aggregate classification (germline): Pathogenic (1 of 4 stars; one submission).

Conditions:
Hereditary cancer-predisposing syndrome. Also called: Tumor predisposition; Hereditary neoplastic syndrome; Hereditary Cancer Syndrome; Neoplastic Syndromes, Hereditary. Identifiers: Orphanet 140162, MedGen C0027672, MeSH D009386, MONDO:0015356.

Submission:

Ambry Genetics
Classification: Pathogenic for Hereditary cancer-predisposing syndrome. Last evaluated: 2026-02-06. Review status: criteria provided, single submitter. Criteria: Ambry Variant Classification Scheme 2023. Collection method: clinical testing. Allele origin: germline.
Comment: The p.L783P pathogenic mutation (also known as c.2348T>C), located in coding exon 15 of the SMARCA4 gene, results from a T to C substitution at nucleotide position 2348. The leucine at codon 783 is replaced by proline, an amino acid with similar properties. This variant was reported in individual(s) with features consistent with Coffin-Siris syndrome; in at least one individual, it was determined to be de novo (Ambry internal data). This missense alteration is located in a region that has a low rate of benign missense variation (Lek M et al. Nature. 2016 Aug 18;536(7616):285-91; DECIPHER: Database of Chromosomal Imbalance and Phenotype in Humans using Ensembl Resources. Firth H.V. et al. 2009. Am.J.Hum.Genet. 84, 524-533 (DOI)). This amino acid position is highly conserved in available vertebrate species. In addition, this alteration is predicted to be deleterious by in silico analysis. This variant is considered to be rare based on population cohorts in the Genome Aggregation Database (gnomAD). Based on the supporting evidence, this variant is pathogenic for Coffin-Siris syndrome; however, the association of this variant with rhabdoid tumor predisposition syndrome is unlikely